The following is an entry in ClinVar:

ClinVar aggregate classification (germline): Uncertain significance. Review status: criteria provided, multiple submitters, no conflicts (2 of 4 stars). 2 submissions from 2 submitters: Uncertain significance (2). Last evaluated 2024-05-31.

Conditions:
Hereditary cancer-predisposing syndrome. Also called: Tumor predisposition; Hereditary Cancer Syndrome; Neoplastic Syndromes, Hereditary; Hereditary neoplastic syndrome. Identifiers: Orphanet 140162, MedGen C0027672, MeSH D009386, MONDO:0015356.

Submissions (2):

Ambry Genetics
Classification: Uncertain significance for Hereditary cancer-predisposing syndrome. Last evaluated: 2024-05-31. Review status: criteria provided, single submitter. Criteria: Ambry Variant Classification Scheme 2023. Collection method: clinical testing. Allele origin: germline.
Comment: The p.V194F variant (also known as c.580G>T), located in coding exon 5 of the ATM gene, results from a G to T substitution at nucleotide position 580. The valine at codon 194 is replaced by phenylalanine, an amino acid with highly similar properties. This amino acid position is not well conserved in available vertebrate species. In addition, the in silico prediction for this alteration is inconclusive. Based on the available evidence, the clinical significance of this variant remains unclear.

Color Diagnostics, LLC DBA Color Health
Classification: Uncertain significance for Hereditary cancer-predisposing syndrome. Last evaluated: 2021-03-01. Review status: criteria provided, single submitter. Criteria: ACMG Guidelines, 2015. Collection method: clinical testing. Allele origin: germline.
Comment: This missense variant replaces valine with phenylalanine at codon 194 of the ATM protein. Computational prediction suggests that this variant may not impact protein structure and function (internally defined REVEL score threshold <= 0.5, PMID: 27666373). To our knowledge, functional studies have not been reported for this variant. This variant has not been reported in individuals affected with hereditary cancer in the literature. This variant has not been identified in the general population by the Genome Aggregation Database (gnomAD). The available evidence is insufficient to determine the role of this variant in disease conclusively. Therefore, this variant is classified as a Variant of Uncertain Significance.

NM_000051.4(ATM):c.580G>T (p.Val194Phe)

Gene: ATM (ATM serine/threonine kinase; plus strand). Cytogenetic location: 11q22.3.
Variant type: single nucleotide variant.
Coding change: c.580G>T on transcript NM_000051.4 (MANE Select); coding-DNA position 580, G replaced by T.
Protein change: p.Val194Phe; replaces valine 194 with phenylalanine.
Molecular consequence: missense variant.
Genome position (GRCh38, 1-based): chr11:108,244,036, G>T. VCF-style: chr11-108244036-G-T. GRCh37 (hg19) VCF-style: chr11-108114763-G-T.
Other names: c.580G>T, p.Val194Phe (NM_001351834.2); short protein forms V194F.
Identifiers: ClinVar variation 1331810 (VCV001331810.3), dbSNP rs1591500206, ClinGen allele CA382527912.
Genomic context (GRCh38, chr11:108,244,036, plus strand): 5'-CTCTATCTGAAACCTTCACAAGATGTTCATAGAGTTTTAGTGGCTAGAATAATTCATGCT[G>T]TTACCAAAGGATGCTGTTCTCAGACTGACGGATTAAATTCCAAATTTTTGGACTTTTTTT-3'
Protein context (NP_000042.3, residues 184-204): RVLVARIIHA[Val194Phe]TKGCCSQTDG